The following is an entry in ClinVar:

ClinVar aggregate classification (germline): Uncertain significance (1 of 4 stars; one submission).

Conditions:
Myopathy, proximal, and ophthalmoplegia (CMYO6). Also called: MYOPATHY WITH CONGENITAL JOINT CONTRACTURES, OPHTHALMOPLEGIA, AND RIMMED VACUOLES; CONGENITAL MYOPATHY 6 WITH OPHTHALMOPLEGIA; INCLUSION BODY MYOPATHY 3, AUTOSOMAL DOMINANT. Identifiers: Orphanet 363677, Orphanet 79091, MedGen C1854106, MONDO:0011577, OMIM 605637.

Allele frequency attached by ClinVar (database versions not stated): gnomAD exomes 0.00001 and 0.00002; ExAC 0.00002; gnomAD 0.00002; TOPMed 0.00002.
gnomAD v4.1: 21 of 1,613,878 alleles (0.0013%); highest among the groups gnomAD compares: Middle Eastern, 0.016%; no homozygotes.

Submission:

Labcorp Genetics (formerly Invitae), Labcorp
Classification: Uncertain significance for Myopathy, proximal, and ophthalmoplegia. Last evaluated: 2025-01-21. Review status: criteria provided, single submitter. Criteria: Invitae Variant Classification Sherloc (09022015). Collection method: clinical testing. Allele origin: germline.
Comment: This sequence change replaces arginine, which is basic and polar, with histidine, which is basic and polar, at codon 1388 of the MYH2 protein (p.Arg1388His). This variant is present in population databases (rs745754711, gnomAD 0.007%). This variant has not been reported in the literature in individuals affected with MYH2-related conditions. ClinVar contains an entry for this variant (Variation ID: 853810). Invitae Evidence Modeling of protein sequence and biophysical properties (such as structural, functional, and spatial information, amino acid conservation, physicochemical variation, residue mobility, and thermodynamic stability) indicates that this missense variant is not expected to disrupt MYH2 protein function with a negative predictive value of 80%. In summary, the available evidence is currently insufficient to determine the role of this variant in disease. Therefore, it has been classified as a Variant of Uncertain Significance.

NM_017534.6(MYH2):c.4163G>A (p.Arg1388His)

Genes: MYHAS (myosin heavy chain gene cluster antisense RNA; plus strand), MYH2 (myosin heavy chain 2; minus strand). Cytogenetic location: 17p13.1.
Variant type: single nucleotide variant.
Coding change: c.4163G>A on transcript NM_017534.6 (MANE Select); coding-DNA position 4163, G replaced by A.
Protein change: p.Arg1388His; replaces arginine 1388 with histidine.
Molecular consequence: missense variant.
Genome position (GRCh38, 1-based): chr17:10,526,623, C>T on the plus strand (G>A on the coding strand, the complement: MYH2 is on the minus strand). VCF-style: chr17-10526623-C-T. GRCh37 (hg19) VCF-style: chr17-10429940-C-T.
Other names: c.4163G>A, p.Arg1388His (NM_001100112.2); short protein forms R1388H.
Identifiers: ClinVar variation 853810 (VCV000853810.7), dbSNP rs745754711, ClinGen allele CA8390715.
Genomic context (GRCh38, chr17:10,526,623, plus strand): 5'-AGTTTTCTGCTCATTCTCTCATATCTGTGCACATACTTGGCCTCCTCCAGCTCCTCTGTG[C>T]GCTGGATGGCGTCCGTCTCGTATTTGGTCCTCCATTGGGCAACCTCGGTGTTGGCCTTGG-3'
Protein context (NP_060004.3, residues 1378-1398): RTKYETDAIQ[Arg1388His]TEELEEAKKK